The following is an entry in ClinVar:

NM_000709.4(BCKDHA):c.655del (p.Ala219fs)

Gene: BCKDHA (branched chain keto acid dehydrogenase E1 subunit alpha; plus strand). Cytogenetic location: 19q13.2.
Variant type: Deletion.
Coding change: c.655del on transcript NM_000709.4 (MANE Select); coding-DNA position 655, one base deleted (G; older notation c.655delG).
Protein change: p.Ala219fs; shifts the reading frame from alanine 219.
Molecular consequence: frameshift variant.
Genome position (GRCh38, 1-based): chr19:41,422,172, G deleted; the last of 5 consecutive G bases (chr19:41,422,168-41,422,172); deleting any one gives the same sequence. VCF-style (leftmost placement, unchanged base first): chr19-41422167-TG-T. GRCh37 (hg19) VCF-style: chr19-41928072-TG-T.
Other names: c.655del, p.Ala219fs (NM_001164783.2); short protein forms A219fs.
Identifiers: ClinVar variation 1724025 (VCV001724025.4), dbSNP rs2513459631, ClinGen allele CA2576793826.

ClinVar aggregate classification (germline): Pathogenic/Likely pathogenic. Review status: criteria provided, multiple submitters, no conflicts (2 of 4 stars). 2 submissions from 2 submitters: Pathogenic (1); Likely pathogenic (1). Last evaluated 2024-10-30.

Conditions:
Maple syrup urine disease (MSUD). Identifiers: Orphanet 511, MedGen C0024776, MeSH D008375, MONDO:0009563. Disease mechanism: loss of function.

Submissions (2):

Labcorp Genetics (formerly Invitae), Labcorp
Classification: Pathogenic for Maple syrup urine disease. Last evaluated: 2024-10-30. Review status: criteria provided, single submitter. Criteria: Invitae Variant Classification Sherloc (09022015). Collection method: clinical testing. Allele origin: germline.
Comment: This sequence change creates a premature translational stop signal (p.Ala219Argfs*111) in the BCKDHA gene. It is expected to result in an absent or disrupted protein product. Loss-of-function variants in BCKDHA are known to be pathogenic (PMID: 16786533, 22593002). This variant is not present in population databases (gnomAD no frequency). This variant has not been reported in the literature in individuals affected with BCKDHA-related conditions. ClinVar contains an entry for this variant (Variation ID: 1724025). For these reasons, this variant has been classified as Pathogenic.

Myriad Genetics, Inc.
Classification: Likely pathogenic for Maple syrup urine disease type 1A. Last evaluated: 2022-01-23. Review status: criteria provided, single submitter. Criteria: Myriad Women's Health Autosomal Recessive and X-Linked Classification Criteria (2021). Collection method: clinical testing. Allele origin: unknown.
Comment: NM_000709.3(BCKDHA):c.655delG(A219Rfs*111) is expected to be pathogenic in the context of maple syrup urine disease type Ia. This variant is predicted to lead to an abnormal or absent protein product due to the creation of a premature termination codon in BCKDHA, a gene where loss-of-function variants are known to be pathogenic. Please note: this variant was assessed in the context of healthy population screening.

Literature cited by the submitters: PubMed 16786533 (cited by Labcorp Genetics (formerly Invitae), Labcorp); PubMed 22593002 (cited by Labcorp Genetics (formerly Invitae), Labcorp).